The following is an entry in ClinVar:

ClinVar aggregate classification (germline): Benign (0 of 4 stars; one submission).

Conditions:
MUC16-related disorder. Also called: MUC16-related condition.

Allele frequency attached by ClinVar (database versions not stated): 1000 Genomes Project 30x 0.24953; 1000 Genomes Project 0.24960; gnomAD 0.25958; TOPMed 0.26163; ExAC 0.26289; ESP Exome Variant Server 0.26473; gnomAD exomes 0.29280.

Submission:

PreventionGenetics, part of Exact Sciences
Classification: Benign for MUC16-related condition. Last evaluated: 2019-10-22. Review status: no assertion criteria provided. Collection method: clinical testing. Allele origin: germline.
Comment: This variant is classified as benign based on ACMG/AMP sequence variant interpretation guidelines (Richards et al. 2015 PMID: 25741868, with internal and published modifications).

NM_001401501.2(MUC16):c.10302A>C (p.Val3434=)

Gene: MUC16 (mucin 16, cell surface associated; minus strand). Cytogenetic location: 19p13.2.
Variant type: single nucleotide variant.
Coding change: c.10302A>C on transcript NM_001401501.2 (MANE Select); coding-DNA position 10302, A replaced by C.
Protein change: p.Val3434=; no amino-acid change (valine 3434 retained).
Molecular consequence: synonymous variant.
Genome position (GRCh38, 1-based): chr19:8,966,588, T>G on the plus strand (A>C on the coding strand, the complement: MUC16 is on the minus strand). VCF-style: chr19-8966588-T-G. GRCh37 (hg19) VCF-style: chr19-9077264-T-G.
Other names: c.10728A>C, p.Val3576= (NM_001414686.1); c.10182A>C, p.Val3394= (NM_001414687.1, NM_024690.2).
Identifiers: ClinVar variation 3059664 (VCV003059664.2), dbSNP rs1862461, ClinGen allele CA9171516.